The following is an entry in ClinVar:

NM_000492.4(CFTR):c.1680-87T>G

Gene: CFTR (CF transmembrane conductance regulator; plus strand). Cytogenetic location: 7q31.2.
Variant type: single nucleotide variant.
Coding change: c.1680-87T>G on transcript NM_000492.4 (MANE Select); 87 bases into the intron before coding-DNA position 1680, T replaced by G.
Molecular consequence: intron variant.
Genome position (GRCh38, 1-based): chr7:117,590,266, T>G. VCF-style: chr7-117590266-T-G. GRCh37 (hg19) VCF-style: chr7-117230320-T-G.
Identifiers: ClinVar variation 3901190 (VCV003901190.2).

ClinVar aggregate classification (germline): Uncertain significance (1 of 4 stars; one submission).

Conditions:
Cystic fibrosis (CF). Also called: MUCOVISCIDOSIS. Identifiers: Orphanet 586, MedGen C0010674, MONDO:0009061, OMIM 219700. Disease mechanism: loss of function.

gnomAD v4.1: 38 of 1,473,534 alleles (0.0026%); highest among the groups gnomAD compares: South Asian, 0.01%; no homozygotes.

Submission:

Institute of Human Genetics, University of Leipzig Medical Center
Classification: Uncertain significance for Cystic fibrosis. Last evaluated: 2025-06-23. Review status: criteria provided, single submitter. Criteria: ACMG Guidelines, 2015. Collection method: clinical testing. Allele origin: unknown. Affected: yes.
Comment: Criteria applied: PM2_SUP,PP3